The following is an entry in ClinVar:

ClinVar aggregate classification (germline): Uncertain significance (1 of 4 stars; one submission).

Allele frequency attached by ClinVar (database versions not stated): TOPMed 0.00003.

Submission:

Labcorp Genetics (formerly Invitae), Labcorp
Classification: Uncertain significance. Last evaluated: 2021-09-01. Review status: criteria provided, single submitter. Criteria: Invitae Variant Classification Sherloc (09022015). Collection method: clinical testing. Allele origin: germline.
Comment: This sequence change replaces valine with methionine at codon 327 of the TMPRSS6 protein (p.Val327Met). The valine residue is highly conserved and there is a small physicochemical difference between valine and methionine. In summary, the available evidence is currently insufficient to determine the role of this variant in disease. Therefore, it has been classified as a Variant of Uncertain Significance. Algorithms developed to predict the effect of missense changes on protein structure and function are either unavailable or do not agree on the potential impact of this missense change (SIFT: "Deleterious"; PolyPhen-2: "Possibly Damaging"; Align-GVGD: "Class C0"). This variant has not been reported in the literature in individuals affected with TMPRSS6-related conditions. This variant is not present in population databases (ExAC no frequency).

NM_001374504.1(TMPRSS6):c.952G>A (p.Val318Met)

Gene: TMPRSS6 (transmembrane serine protease 6; minus strand). Cytogenetic location: 22q12.3.
Variant type: single nucleotide variant.
Coding change: c.952G>A on transcript NM_001374504.1 (MANE Select); coding-DNA position 952, G replaced by A.
Protein change: p.Val318Met; replaces valine 318 with methionine.
Molecular consequence: missense variant.
Genome position (GRCh38, 1-based): chr22:37,086,304, C>T on the plus strand (G>A on the coding strand, the complement: TMPRSS6 is on the minus strand). VCF-style: chr22-37086304-C-T. GRCh37 (hg19) VCF-style: chr22-37482344-C-T.
Other names: c.952G>A, p.Val318Met (NM_001289000.2, NM_001289001.2, NM_153609.4); short protein forms V318M.
Identifiers: ClinVar variation 1415974 (VCV001415974.6), dbSNP rs967908556, ClinGen allele CA324061553.